The following is an entry in ClinVar:

ClinVar aggregate classification (germline): Uncertain significance. Review status: criteria provided, multiple submitters, no conflicts (2 of 4 stars). 2 submissions from 2 submitters: Uncertain significance (2). Last evaluated 2021-09-01.

Conditions:
Hereditary cancer-predisposing syndrome. Also called: Hereditary Cancer Syndrome; Tumor predisposition; Hereditary neoplastic syndrome; Neoplastic Syndromes, Hereditary. Identifiers: Orphanet 140162, MedGen C0027672, MeSH D009386, MONDO:0015356.
Rhabdoid tumor predisposition syndrome 2 (RTPS2). Identifiers: Orphanet 231108, Orphanet 69077, MedGen C2750074, MONDO:0013224, OMIM 613325.

Submissions (2):

Labcorp Genetics (formerly Invitae), Labcorp
Classification: Uncertain significance for Rhabdoid tumor predisposition syndrome 2. Last evaluated: 2021-09-01. Review status: criteria provided, single submitter. Criteria: Invitae Variant Classification Sherloc (09022015). Collection method: clinical testing. Allele origin: germline.
Comment: This sequence change replaces arginine with cysteine at codon 417 of the SMARCA4 protein (p.Arg417Cys). The arginine residue is highly conserved and there is a large physicochemical difference between arginine and cysteine. This variant is not present in population databases (ExAC no frequency). This variant has not been reported in the literature in individuals affected with SMARCA4-related conditions. Algorithms developed to predict the effect of missense changes on protein structure and function are either unavailable or do not agree on the potential impact of this missense change (SIFT: "Deleterious"; PolyPhen-2: "Probably Damaging"; Align-GVGD: "Class C0"). In summary, the available evidence is currently insufficient to determine the role of this variant in disease. Therefore, it has been classified as a Variant of Uncertain Significance.

Ambry Genetics
Classification: Uncertain significance for Hereditary cancer-predisposing syndrome. Last evaluated: 2020-01-22. Review status: criteria provided, single submitter. Criteria: Ambry Variant Classification Scheme 2023. Collection method: clinical testing. Allele origin: germline.
Comment: The p.R417C variant (also known as c.1249C>T), located in coding exon 7 of the SMARCA4 gene, results from a C to T substitution at nucleotide position 1249. The arginine at codon 417 is replaced by cysteine, an amino acid with highly dissimilar properties. This amino acid position is highly conserved in available vertebrate species. In addition, this alteration is predicted to be deleterious by in silico analysis. Since supporting evidence is limited at this time, the clinical significance of this alteration remains unclear.

NM_003072.5(SMARCA4):c.1249C>T (p.Arg417Cys)

Gene: SMARCA4 (SWI/SNF related BAF chromatin remodeling complex subunit ATPase 4; plus strand). Cytogenetic location: 19p13.2.
Variant type: single nucleotide variant.
Coding change: c.1249C>T on transcript NM_003072.5 (MANE Select); coding-DNA position 1249, C replaced by T.
Protein change: p.Arg417Cys; replaces arginine 417 with cysteine.
Molecular consequence: missense variant. On other transcripts: non-coding transcript variant (1).
Genome position (GRCh38, 1-based): chr19:10,991,153, C>T. VCF-style: chr19-10991153-C-T. GRCh37 (hg19) VCF-style: chr19-11101829-C-T.
Other names: c.1249C>T, p.Arg417Cys (NM_001128844.3, NM_001128845.2, NM_001128846.2 and 5 more transcripts); short protein forms R417C.
Identifiers: ClinVar variation 1040952 (VCV001040952.8), dbSNP rs2086525936, ClinGen allele CA404060470.